The following is an entry in ClinVar:

NM_000718.4(CACNA1B):c.5330G>A (p.Arg1777His)

Gene: CACNA1B (calcium voltage-gated channel subunit alpha1 B; plus strand). Cytogenetic location: 9q34.3.
Variant type: single nucleotide variant.
Coding change: c.5330G>A on transcript NM_000718.4 (MANE Select); coding-DNA position 5330, G replaced by A.
Protein change: p.Arg1777His; replaces arginine 1777 with histidine.
Molecular consequence: missense variant.
Genome position (GRCh38, 1-based): chr9:138,105,709, G>A. VCF-style: chr9-138105709-G-A. GRCh37 (hg19) VCF-style: chr9-141000161-G-A.
Other names: c.5330G>A, p.Arg1777His (NM_001243812.2); short protein forms R1777H.
Identifiers: ClinVar variation 3262701 (VCV003262701.2).

ClinVar aggregate classification (germline): Uncertain significance. Review status: criteria provided, multiple submitters, no conflicts (2 of 4 stars). 2 submissions from 2 submitters: Uncertain significance (2). Last evaluated 2025-09-24.

gnomAD v4.1: 12 of 1,553,866 alleles (0.00077%); highest among the groups gnomAD compares: African/African-American, 0.0041%; no homozygotes.

Submissions (2):

Labcorp Genetics (formerly Invitae), Labcorp
Classification: Uncertain significance. Last evaluated: 2025-09-24. Review status: criteria provided, single submitter. Criteria: Invitae Variant Classification Sherloc (09022015). Collection method: clinical testing. Allele origin: germline.
Comment: This sequence change replaces arginine, which is basic and polar, with histidine, which is basic and polar, at codon 1777 of the CACNA1B protein (p.Arg1777His). This variant is present in population databases (no rsID available, gnomAD 0.006%). This variant has not been reported in the literature in individuals affected with CACNA1B-related conditions. ClinVar contains an entry for this variant (Variation ID: 3262701). Invitae Evidence Modeling of protein sequence and biophysical properties (such as structural, functional, and spatial information, amino acid conservation, physicochemical variation, residue mobility, and thermodynamic stability) has been performed for this missense variant. However, the output from this modeling did not meet the statistical confidence thresholds required to predict the impact of this variant on CACNA1B protein function. In summary, the available evidence is currently insufficient to determine the role of this variant in disease. Therefore, it has been classified as a Variant of Uncertain Significance.

Ambry Genetics
Classification: Uncertain significance. Last evaluated: 2024-06-02. Review status: criteria provided, single submitter. Criteria: Ambry Variant Classification Scheme 2023. Collection method: clinical testing. Allele origin: germline.